The following is an entry in ClinVar:

ClinVar aggregate classification (germline): Uncertain significance (1 of 4 stars; one submission).

gnomAD v4.1: 2 of 1,598,502 alleles (0.00013%); highest among the groups gnomAD compares: Non-Finnish European, 0.00017%; no homozygotes.

Submission:

Labcorp Genetics (formerly Invitae), Labcorp
Classification: Uncertain significance. Last evaluated: 2022-05-29. Review status: criteria provided, single submitter. Criteria: Invitae Variant Classification Sherloc (09022015). Collection method: clinical testing. Allele origin: germline.
Comment: In summary, the available evidence is currently insufficient to determine the role of this variant in disease. Therefore, it has been classified as a Variant of Uncertain Significance. Algorithms developed to predict the effect of missense changes on protein structure and function (SIFT, PolyPhen-2, Align-GVGD) all suggest that this variant is likely to be tolerated. This variant has not been reported in the literature in individuals affected with CLUAP1-related conditions. This variant is not present in population databases (gnomAD no frequency). This sequence change replaces histidine, which is basic and polar, with arginine, which is basic and polar, at codon 78 of the CLUAP1 protein (p.His78Arg).

NM_015041.3(CLUAP1):c.233A>G (p.His78Arg)

Gene: CLUAP1 (clusterin associated protein 1; plus strand). Cytogenetic location: 16p13.3.
Variant type: single nucleotide variant.
Coding change: c.233A>G on transcript NM_015041.3 (MANE Select); coding-DNA position 233, A replaced by G.
Protein change: p.His78Arg; replaces histidine 78 with arginine.
Molecular consequence: missense variant.
Genome position (GRCh38, 1-based): chr16:3,508,302, A>G. VCF-style: chr16-3508302-A-G. GRCh37 (hg19) VCF-style: chr16-3558302-A-G.
Other names: c.233A>G, p.His78Arg (NM_001330454.2); short protein forms H78R.
Identifiers: ClinVar variation 2000589 (VCV002000589.4), dbSNP rs2543931729, ClinGen allele CA394512156.
Genomic context (GRCh38, chr16:3,508,302, plus strand): 5'-TACATGGAAAGGGCCTTCAACTTTTTTTTTTTTTGGTCTAAAAATAGGCCACCAAGGCAC[A>G]TATAAAACTCAACACTAAGAAGCTTTATCAAGCAGATGGGTATGCGGTAAAAGAGCTGCT-3'
Protein context (NP_055856.1, residues 68-88): AIAQFMATKA[His78Arg]IKLNTKKLYQ